The following is an entry in ClinVar:

ClinVar aggregate classification (germline): Uncertain significance (1 of 4 stars; one submission).

Submission:

Ambry Genetics
Classification: Uncertain significance. Last evaluated: 2024-02-11. Review status: criteria provided, single submitter. Criteria: Ambry Variant Classification Scheme 2023. Collection method: clinical testing. Allele origin: germline.
Comment: The p.V306A variant (also known as c.917T>C), located in coding exon 3 of the TERF2IP gene, results from a T to C substitution at nucleotide position 917. The valine at codon 306 is replaced by alanine, an amino acid with similar properties. This amino acid position is conserved. In addition, this alteration is predicted to be tolerated by in silico analysis. Based on the available evidence, the clinical significance of this alteration remains unclear.

NM_018975.4(TERF2IP):c.917T>C (p.Val306Ala)

Gene: TERF2IP (TERF2 interacting protein; plus strand). Cytogenetic location: 16q23.1.
Variant type: single nucleotide variant.
Coding change: c.917T>C on transcript NM_018975.4 (MANE Select); coding-DNA position 917, T replaced by C.
Protein change: p.Val306Ala; replaces valine 306 with alanine.
Molecular consequence: missense variant. On other transcripts: non-coding transcript variant (1).
Genome position (GRCh38, 1-based): chr16:75,656,328, T>C. VCF-style: chr16-75656328-T-C. GRCh37 (hg19) VCF-style: chr16-75690226-T-C.
Other names: short protein forms V306A.
Identifiers: ClinVar variation 3227212 (VCV003227212.1), dbSNP rs1449239081, ClinGen allele CA396819872.